The following is an entry in ClinVar:

ClinVar aggregate classification (germline): Uncertain significance (1 of 4 stars; one submission).

Conditions:
Bloom syndrome (BLM). Also called: Bloom-Torre-Machacek syndrome. Identifiers: Orphanet 125, MedGen C0005859, MONDO:0008876, OMIM 210900.

Submission:

Labcorp Genetics (formerly Invitae), Labcorp
Classification: Uncertain significance for Bloom syndrome. Last evaluated: 2023-04-24. Review status: criteria provided, single submitter. Criteria: Invitae Variant Classification Sherloc (09022015). Collection method: clinical testing. Allele origin: germline.
Comment: ClinVar contains an entry for this variant (Variation ID: 2003433). This sequence change replaces threonine, which is neutral and polar, with asparagine, which is neutral and polar, at codon 482 of the BLM protein (p.Thr482Asn). This variant is not present in population databases (gnomAD no frequency). This variant has not been reported in the literature in individuals affected with BLM-related conditions. Advanced modeling of protein sequence and biophysical properties (such as structural, functional, and spatial information, amino acid conservation, physicochemical variation, residue mobility, and thermodynamic stability) performed at Invitae indicates that this missense variant is not expected to disrupt BLM protein function. In summary, the available evidence is currently insufficient to determine the role of this variant in disease. Therefore, it has been classified as a Variant of Uncertain Significance.

NM_000057.4(BLM):c.1445C>A (p.Thr482Asn)

Gene: BLM (BLM RecQ like helicase; plus strand). Cytogenetic location: 15q26.1.
Variant type: single nucleotide variant.
Coding change: c.1445C>A on transcript NM_000057.4 (MANE Select); coding-DNA position 1445, C replaced by A.
Protein change: p.Thr482Asn; replaces threonine 482 with asparagine.
Molecular consequence: missense variant.
Genome position (GRCh38, 1-based): chr15:90,760,818, C>A. VCF-style: chr15-90760818-C-A. GRCh37 (hg19) VCF-style: chr15-91304048-C-A.
Other names: c.1445C>A, p.Thr482Asn (NM_001287246.2, NM_001287247.2); c.320C>A, p.Thr107Asn (NM_001287248.2); short protein forms T107N, T482N.
Identifiers: ClinVar variation 2003433 (VCV002003433.4), dbSNP rs2505425707, ClinGen allele CA393843071.